The following is an entry in ClinVar:

ClinVar aggregate classification (germline): Uncertain significance. Review status: criteria provided, multiple submitters, no conflicts (2 of 4 stars). 2 submissions from 2 submitters: Uncertain significance (2). Last evaluated 2022-05-21.

Conditions:
Severe combined immunodeficiency due to DNA-PKcs deficiency. Also called: IMMUNODEFICIENCY 26 WITH NEUROLOGIC ABNORMALITIES; Immunodeficiency 26 with or without neurologic abnormalities. Identifiers: Orphanet 317425, MedGen C4014833, MONDO:0014423, OMIM 615966.

Allele frequency attached by ClinVar (database versions not stated): gnomAD exomes below 0.00001.
gnomAD v4.1: 1 of 1,534,938 alleles (0.000065%); highest among the groups gnomAD compares: Non-Finnish European, 0.000088%; no homozygotes.

Submissions (2):

Ambry Genetics
Classification: Uncertain significance. Last evaluated: 2022-05-21. Review status: criteria provided, single submitter. Criteria: Ambry Variant Classification Scheme 2023. Collection method: clinical testing. Allele origin: germline.
Comment: The p.F3110C variant (also known as c.9329T>G), located in coding exon 66 of the PRKDC gene, results from a T to G substitution at nucleotide position 9329. The phenylalanine at codon 3110 is replaced by cysteine, an amino acid with highly dissimilar properties. This amino acid position is conserved. In addition, this alteration is predicted to be tolerated by in silico analysis. Since supporting evidence is limited at this time, the clinical significance of this alteration remains unclear.

Labcorp Genetics (formerly Invitae), Labcorp
Classification: Uncertain significance for Severe combined immunodeficiency due to DNA-PKcs deficiency. Last evaluated: 2021-12-19. Review status: criteria provided, single submitter. Criteria: Invitae Variant Classification Sherloc (09022015). Collection method: clinical testing. Allele origin: germline.
Comment: This sequence change replaces phenylalanine, which is neutral and non-polar, with cysteine, which is neutral and slightly polar, at codon 3110 of the PRKDC protein (p.Phe3110Cys). This variant is not present in population databases (gnomAD no frequency). This variant has not been reported in the literature in individuals affected with PRKDC-related conditions. Experimental studies and prediction algorithms are not available or were not evaluated, and the functional significance of this variant is currently unknown. In summary, the available evidence is currently insufficient to determine the role of this variant in disease. Therefore, it has been classified as a Variant of Uncertain Significance.

NM_006904.7(PRKDC):c.9329T>G (p.Phe3110Cys)

Gene: PRKDC (protein kinase, DNA-activated, catalytic subunit; minus strand). Cytogenetic location: 8q11.21.
Variant type: single nucleotide variant.
Coding change: c.9329T>G on transcript NM_006904.7 (MANE Select); coding-DNA position 9329, T replaced by G.
Protein change: p.Phe3110Cys; replaces phenylalanine 3110 with cysteine.
Molecular consequence: missense variant.
Genome position (GRCh38, 1-based): chr8:47,820,726, A>C on the plus strand (T>G on the coding strand, the complement: PRKDC is on the minus strand). VCF-style: chr8-47820726-A-C. GRCh37 (hg19) VCF-style: chr8-48733287-A-C.
Other names: c.9329T>G, p.Phe3110Cys (NM_001081640.2); short protein forms F3110C.
Identifiers: ClinVar variation 1766579 (VCV001766579.6), dbSNP rs2551865328, ClinGen allele CA371139232.